The following is an entry in ClinVar:

ClinVar aggregate classification (germline): Uncertain significance (1 of 4 stars; one submission).

Conditions:
Congenital primary aphakia. Also called: Anterior segment dysgenesis 2, multiple subtypes; ANTERIOR SEGMENT DYSGENESIS 2. Identifiers: Orphanet 83461, MedGen C1853230, MONDO:0012456, OMIM 610256.
Anterior segment dysgenesis. Also called: Ocular anterior segment dysgenesis. Identifiers: Orphanet 88632, MedGen C1862839, MONDO:0019503, HP:0007700.

Submission:

Labcorp Genetics (formerly Invitae), Labcorp
Classification: Uncertain significance for Anterior segment dysgenesis; Congenital primary aphakia. Last evaluated: 2024-10-03. Review status: criteria provided, single submitter. Criteria: Invitae Variant Classification Sherloc (09022015). Collection method: clinical testing. Allele origin: germline.
Comment: This sequence change replaces proline, which is neutral and non-polar, with leucine, which is neutral and non-polar, at codon 88 of the FOXE3 protein (p.Pro88Leu). This variant is not present in population databases (gnomAD no frequency). This variant has not been reported in the literature in individuals affected with FOXE3-related conditions. Invitae Evidence Modeling of protein sequence and biophysical properties (such as structural, functional, and spatial information, amino acid conservation, physicochemical variation, residue mobility, and thermodynamic stability) has been performed for this missense variant. However, the output from this modeling did not meet the statistical confidence thresholds required to predict the impact of this variant on FOXE3 protein function. In summary, the available evidence is currently insufficient to determine the role of this variant in disease. Therefore, it has been classified as a Variant of Uncertain Significance.

NM_012186.3(FOXE3):c.263C>T (p.Pro88Leu)

Genes: FOXE3 (forkhead box E3; plus strand), LINC01389 (long independently transcribed non-coding RNA 1389; minus strand). Cytogenetic location: 1p33.
Variant type: single nucleotide variant.
Coding change: c.263C>T on transcript NM_012186.3 (MANE Select); coding-DNA position 263, C replaced by T.
Protein change: p.Pro88Leu; replaces proline 88 with leucine.
Molecular consequence: missense variant.
Genome position (GRCh38, 1-based): chr1:47,416,578, C>T. VCF-style: chr1-47416578-C-T. GRCh37 (hg19) VCF-style: chr1-47882250-C-T.
Other names: short protein forms P88L.
Identifiers: ClinVar variation 3749193 (VCV003749193.2).
Genomic context (GRCh38, chr1:47,416,578, plus strand): 5'-AGCGCGGGAAGCCGCCCTACTCGTACATCGCGCTCATCGCCATGGCTCTGGCGCACGCCC[C>T]GGGCCGCCGCCTCACGCTGGCCGCCATCTACCGCTTCATCACCGAACGCTTTGCCTTCTA-3'
Protein context (NP_036318.1, residues 78-98): ALIAMALAHA[Pro88Leu]GRRLTLAAIY